The following is an entry in ClinVar:

NM_007254.4(PNKP):c.1051C>T (p.Pro351Ser)

Gene: PNKP (polynucleotide kinase 3'-phosphatase; minus strand). Cytogenetic location: 19q13.33.
Variant type: single nucleotide variant.
Coding change: c.1051C>T on transcript NM_007254.4 (MANE Select); coding-DNA position 1051, C replaced by T.
Protein change: p.Pro351Ser; replaces proline 351 with serine.
Molecular consequence: missense variant.
Genome position (GRCh38, 1-based): chr19:49,862,260, G>A on the plus strand (C>T on the coding strand, the complement: PNKP is on the minus strand). VCF-style: chr19-49862260-G-A. GRCh37 (hg19) VCF-style: chr19-50365517-G-A.
Other names: short protein forms P351S.
Identifiers: ClinVar variation 1386568 (VCV001386568.6), dbSNP rs764879888, ClinGen allele CA9586633.
Genomic context (GRCh38, chr19:49,862,260, plus strand): 5'-CTGCGACAACCACCTCCGGGCTGGCGCTCAGGAGGGCCCTGGACTCGGGGAGGCAGAGAG[G>A]CCCTGAGCGGGAGACAGTCCTCTGCGAGGGGCGGGGGACACGCGTGAGATGCCGTCCCCA-3'
Protein context (NP_009185.2, residues 341-361): FDPRTVSRSG[Pro351Ser]LCLPESRALL

ClinVar aggregate classification (germline): Uncertain significance (1 of 4 stars; one submission).

Conditions:
Developmental and epileptic encephalopathy, 12 (DEE12). Identifiers: MedGen C3150988, MONDO:0013389, OMIM 613722.

Allele frequency attached by ClinVar (database versions not stated): gnomAD exomes below 0.00001 and 0.00001; ExAC 0.00001.

Submission:

Labcorp Genetics (formerly Invitae), Labcorp
Classification: Uncertain significance for Developmental and epileptic encephalopathy, 12. Last evaluated: 2022-08-21. Review status: criteria provided, single submitter. Criteria: Invitae Variant Classification Sherloc (09022015). Collection method: clinical testing. Allele origin: germline.
Comment: In summary, the available evidence is currently insufficient to determine the role of this variant in disease. Therefore, it has been classified as a Variant of Uncertain Significance. Algorithms developed to predict the effect of missense changes on protein structure and function (SIFT, PolyPhen-2, Align-GVGD) all suggest that this variant is likely to be tolerated. ClinVar contains an entry for this variant (Variation ID: 1386568). This variant has not been reported in the literature in individuals affected with PNKP-related conditions. This variant is present in population databases (rs764879888, gnomAD 0.006%). This sequence change replaces proline, which is neutral and non-polar, with serine, which is neutral and polar, at codon 351 of the PNKP protein (p.Pro351Ser).